The following is an entry in ClinVar:

ClinVar aggregate classification (germline): Uncertain significance (1 of 4 stars; one submission).

Conditions:
Hereditary cancer-predisposing syndrome. Also called: Neoplastic Syndromes, Hereditary; Tumor predisposition; Hereditary neoplastic syndrome; Hereditary Cancer Syndrome. Identifiers: Orphanet 140162, MedGen C0027672, MeSH D009386, MONDO:0015356.

Submission:

Ambry Genetics
Classification: Uncertain significance for Hereditary cancer-predisposing syndrome. Last evaluated: 2026-07-24. Review status: criteria provided, single submitter. Criteria: Ambry Variant Classification Scheme 2023. Collection method: clinical testing. Allele origin: germline.
Comment: The p.F1409L variant (also known as c.4227T>G), located in coding exon 23 of the PTCH1 gene, results from a T to G substitution at nucleotide position 4227. The phenylalanine at codon 1409 is replaced by leucine, an amino acid with highly similar properties. This amino acid position is highly conserved in available vertebrate species. In addition, the in silico prediction for this alteration is inconclusive. Based on the available evidence, the clinical significance of this variant remains unclear.

NM_000264.5(PTCH1):c.4227T>G (p.Phe1409Leu)

Gene: PTCH1 (patched 1; minus strand). Cytogenetic location: 9q22.32.
Variant type: single nucleotide variant.
Coding change: c.4227T>G on transcript NM_000264.5 (MANE Select); coding-DNA position 4227, T replaced by G.
Protein change: p.Phe1409Leu; replaces phenylalanine 1409 with leucine.
Molecular consequence: missense variant. On other transcripts: non-coding transcript variant (1).
Genome position (GRCh38, 1-based): chr9:95,447,029, A>C on the plus strand (T>G on the coding strand, the complement: PTCH1 is on the minus strand). VCF-style: chr9-95447029-A-C. GRCh37 (hg19) VCF-style: chr9-98209311-A-C.
Other names: c.4071T>G, p.Phe1357Leu (NM_001354918.2); c.4029T>G, p.Phe1343Leu (NM_001083602.3); c.4224T>G, p.Phe1408Leu (NM_001083603.3); c.3774T>G, p.Phe1258Leu (NM_001083604.3, NM_001083605.3, NM_001083606.3 and 1 more transcripts); short protein forms F1357L, F1343L, F1409L, F1258L, F1408L.
Identifiers: ClinVar variation 5027521 (VCV005027521.1).